The following is an entry in ClinVar:

ClinVar aggregate classification (germline): Uncertain significance (1 of 4 stars; one submission).

gnomAD v4.1: 1 of 1,580,676 alleles (0.000063%); highest among the groups gnomAD compares: Non-Finnish European, 0.000086%; no homozygotes.

Submission:

GeneDx
Classification: Uncertain significance. Last evaluated: 2022-10-03. Review status: criteria provided, single submitter. Criteria: GeneDx Variant Classification Process June 2021. Collection method: clinical testing. Allele origin: germline. Affected: yes.
Comment: Not observed at significant frequency in large population cohorts (gnomAD); In silico analysis supports that this missense variant has a deleterious effect on protein structure/function; Has not been previously published as pathogenic or benign to our knowledge

NM_001378328.1(CELSR1):c.6724G>T (p.Val2242Phe)

Genes: CELSR1 (cadherin EGF LAG seven-pass G-type receptor 1; minus strand), LOC126863169 (BRD4-independent group 4 enhancer GRCh37_chr22:46782038-46783237; plus strand). Cytogenetic location: 22q13.31.
Variant type: single nucleotide variant.
Coding change: c.6724G>T on transcript NM_001378328.1 (MANE Select); coding-DNA position 6724, G replaced by T.
Protein change: p.Val2242Phe; replaces valine 2242 with phenylalanine.
Molecular consequence: missense variant.
Genome position (GRCh38, 1-based): chr22:46,386,417, C>A on the plus strand (G>T on the coding strand, the complement: CELSR1 is on the minus strand). VCF-style: chr22-46386417-C-A. GRCh37 (hg19) VCF-style: chr22-46782314-C-A.
Other names: c.6724G>T, p.Val2242Phe (NM_014246.4); short protein forms V2242F.
Identifiers: ClinVar variation 2446592 (VCV002446592.1), dbSNP rs767048678, ClinGen allele CA411939518.